The following is an entry in ClinVar:

ClinVar aggregate classification (germline): Likely benign (1 of 4 stars; one submission).

gnomAD v4.1: 2 of 1,610,448 alleles (0.00012%); highest among the groups gnomAD compares: Admixed American, 0.0017%; no homozygotes.

Submission:

CeGaT Center for Human Genetics Tuebingen
Classification: Likely benign. Last evaluated: 2025-01-01. Review status: criteria provided, single submitter. Criteria: CeGaT Center For Human Genetics Tuebingen Variant Classification Criteria Version 2. Collection method: clinical testing. Allele origin: germline. Affected: yes. Observed: 1 variant allele.
Comment: FMN2: BP4, BP7

NM_020066.5(FMN2):c.339C>T (p.Ser113=)

Gene: FMN2 (formin 2; plus strand). Cytogenetic location: 1q43.
Variant type: single nucleotide variant.
Coding change: c.339C>T on transcript NM_020066.5 (MANE Select); coding-DNA position 339, C replaced by T.
Protein change: p.Ser113=; no amino-acid change (serine 113 retained).
Molecular consequence: synonymous variant.
Genome position (GRCh38, 1-based): chr1:240,092,448, C>T. VCF-style: chr1-240092448-C-T. GRCh37 (hg19) VCF-style: chr1-240255748-C-T.
Other names: c.339C>T, p.Ser113= (NM_001305424.2, NM_001348094.2).
Identifiers: ClinVar variation 3772286 (VCV003772286.13).